The following is an entry in ClinVar:

NM_001184880.2(PCDH19):c.623_624delinsAA (p.Ile208Lys)

Gene: PCDH19 (protocadherin 19; minus strand). Cytogenetic location: Xq22.1.
Variant type: Indel.
Coding change: c.623_624delinsAA on transcript NM_001184880.2 (MANE Select); coding-DNA positions 623 to 624, TC replaced by AA.
Protein change: p.Ile208Lys; replaces isoleucine 208 with lysine.
Molecular consequence: missense variant.
Genome position (GRCh38, 1-based): chrX:100,407,974-100,407,975, GA replaced by TT on the plus strand (TC replaced by AA on the coding strand, the reverse complement: PCDH19 is on the minus strand). VCF-style: chrX-100407974-GA-TT. GRCh37 (hg19) VCF-style: chrX-99662972-GA-TT.
Other names: c.623_624delinsAA, p.Ile208Lys (NM_001105243.2, NM_020766.3); short protein forms I208K.
Identifiers: ClinVar variation 1440044 (VCV001440044.6), dbSNP rs2147541189, ClinGen allele CA2573159046.

ClinVar aggregate classification (germline): Uncertain significance (1 of 4 stars; one submission).

Conditions:
Developmental and epileptic encephalopathy, 9 (DEE9). Also called: JUBERG-HELLMAN SYNDROME; Early infantile epileptic encephalopathy 9; PCDH19-Related X-Linked Female-Limited Epilepsy with Mental Retardation; EPILEPSY, FEMALE-RESTRICTED, WITH MENTAL RETARDATION. Identifiers: Orphanet 101039, Orphanet 2076, MedGen C1848137, MONDO:0010246, OMIM 300088. Disease mechanism: loss of function.

Submission:

Labcorp Genetics (formerly Invitae), Labcorp
Classification: Uncertain significance for Developmental and epileptic encephalopathy, 9. Last evaluated: 2024-02-24. Review status: criteria provided, single submitter. Criteria: Invitae Variant Classification Sherloc (09022015). Collection method: clinical testing. Allele origin: germline.
Comment: This sequence change replaces isoleucine, which is neutral and non-polar, with lysine, which is basic and polar, at codon 208 of the PCDH19 protein (p.Ile208Lys). Information on the frequency of this variant in the gnomAD database is not available, as this variant may be reported differently in the database. This variant has not been reported in the literature in individuals affected with PCDH19-related conditions. ClinVar contains an entry for this variant (Variation ID: 1440044). An algorithm developed to predict the effect of missense changes on protein structure and function (PolyPhen-2) suggests that this variant is likely to be disruptive. In summary, the available evidence is currently insufficient to determine the role of this variant in disease. Therefore, it has been classified as a Variant of Uncertain Significance.